The following is an entry in ClinVar:

ClinVar aggregate classification (germline): Pathogenic/Likely pathogenic. Review status: criteria provided, multiple submitters, no conflicts (2 of 4 stars). 2 submissions from 2 submitters: Pathogenic (1); Likely pathogenic (1). Last evaluated 2025-10-09.

Conditions:
Alport syndrome. Also called: Hemorrhagic familial nephritis; Hemorrhagic hereditary nephritis; Congenital hereditary hematuria. Identifiers: Orphanet 63, MedGen C1567741, MONDO:0018965.

Allele frequency attached by ClinVar (database versions not stated): gnomAD exomes below 0.00001.

Submissions (2):

Natera, Inc.
Classification: Likely pathogenic for Alport syndrome. Last evaluated: 2025-10-09. Review status: criteria provided, single submitter. Criteria: Natera Variant Classification Schema (03/2026). Collection method: clinical testing. Allele origin: germline.
Comment: The c.1A>G variant in COL4A3 is predicted to result in start loss due to disruption of the initiator methionine. This variant is expected to result in nonsense mediated decay, truncation, or a dysfunctional protein product. This variant is rare in the general population with a frequency below the threshold expected for the associated phenotype(s). Given the available evidence, this variant is classified as Likely Pathogenic.

Labcorp Genetics (formerly Invitae), Labcorp
Classification: Pathogenic. Last evaluated: 2022-10-31. Review status: criteria provided, single submitter. Criteria: Invitae Variant Classification Sherloc (09022015). Collection method: clinical testing. Allele origin: germline.
Comment: For these reasons, this variant has been classified as Pathogenic. Disruption of the initiator codon has been observed in individuals with autosomal recessive Alport syndrome (PMID: 12028435, 23297803, 24854265, 26809805). This variant is not present in population databases (gnomAD no frequency). This sequence change affects the initiator methionine of the COL4A3 mRNA. The next in-frame methionine is located at codon 209.

Literature cited by the submitters: PubMed 12028435 (cited by Labcorp Genetics (formerly Invitae), Labcorp); PubMed 23297803 (cited by Labcorp Genetics (formerly Invitae), Labcorp); PubMed 24854265 (cited by Labcorp Genetics (formerly Invitae), Labcorp); PubMed 26809805 (cited by Labcorp Genetics (formerly Invitae), Labcorp).

NM_000091.5(COL4A3):c.1A>G (p.Met1Val)

Genes: COL4A3 (collagen type IV alpha 3 chain; plus strand), LOC129935730 (ATAC-STARR-seq lymphoblastoid silent region 12397; plus strand). Cytogenetic location: 2q36.3.
Variant type: single nucleotide variant.
Coding change: c.1A>G on transcript NM_000091.5 (MANE Select); coding-DNA position 1, A replaced by G.
Protein change: p.Met1Val; changes the start codon (methionine 1).
Molecular consequence: missense variant, initiator codon variant.
Genome position (GRCh38, 1-based): chr2:227,164,727, A>G. VCF-style: chr2-227164727-A-G. GRCh37 (hg19) VCF-style: chr2-228029443-A-G.
Other names: short protein forms M1V.
Identifiers: ClinVar variation 1911793 (VCV001911793.7), dbSNP rs1396602090, ClinGen allele CA350845866.